The following is an entry in ClinVar:

ClinVar aggregate classification (germline): Pathogenic (0 of 4 stars; one submission).

Submission:

Quest Diagnostics Nichols Institute San Juan Capistrano
Classification: Pathogenic. Last evaluated: 2021-04-01. Review status: no assertion criteria provided. Collection method: clinical testing. Allele origin: germline.
Comment: The copy number loss of 2q23.3q24.1 involves multiple protein-coding genes, including NR4A2 (OMIM 601828), and is expected to cause phenotypic and/or developmental abnormalities. De novo hemizygous deletions involving NR4A2 have been identified in multiple individuals with neurodevelopmental disorders, including language impairment, developmental delay, intellectual disability and/or autism spectrum disorder (Levy et al., Clin Genet. 2018 Aug;94(2):264-268. PMID: 29770430; Leppa et al., Am J Hum Genet. 2016 Sep 1;99(3):540-554. PMID: 27569545).

GRCh37/hg19 2q23.3-24.1(chr2:154852961-159126250)x1

Genes: ACVR1 (activin A receptor type 1; minus strand), ACVR1C (activin A receptor type 1C; minus strand), CCDC148 (coiled-coil domain containing 148; minus strand), CYTIP (cytohesin 1 interacting protein; minus strand), ERMN (ermin; minus strand) and 6 more. Cytogenetic location: 2q23.3-24.1.
Variant type: copy number loss.
Change: copy number 1 (one copy instead of two) of chr2:154,852,961-159,126,250 (4.27 Mb, GRCh37 coordinates, 1-based), cytogenetic band 2q23.3-24.1.
Identifiers: ClinVar variation 1340408 (VCV001340408.1).